The following is an entry in ClinVar:

ClinVar aggregate classification (germline): Uncertain significance. Review status: criteria provided, multiple submitters, no conflicts (2 of 4 stars). 2 submissions from 2 submitters: Uncertain significance (2). Last evaluated 2025-10-23.

Conditions:
Inborn genetic diseases. Identifiers: MedGen C0950123, MeSH D030342.

gnomAD v4.1: 8 of 1,582,442 alleles (0.00051%); highest among the groups gnomAD compares: Middle Eastern, 0.033%; no homozygotes.

Submissions (2):

Ambry Genetics
Classification: Uncertain significance for Inborn genetic diseases. Last evaluated: 2025-10-23. Review status: criteria provided, single submitter. Criteria: Ambry Variant Classification Scheme 2023. Collection method: clinical testing. Allele origin: germline.

Labcorp Genetics (formerly Invitae), Labcorp
Classification: Uncertain significance. Last evaluated: 2025-07-31. Review status: criteria provided, single submitter. Criteria: Invitae Variant Classification Sherloc (09022015). Collection method: clinical testing. Allele origin: germline.
Comment: This sequence change replaces glycine, which is neutral and non-polar, with arginine, which is basic and polar, at codon 259 of the WNT1 protein (p.Gly259Arg). This variant is present in population databases (no rsID available, gnomAD 0.001%). This missense change has been observed in individual(s) with osteoporosis (internal data). ClinVar contains an entry for this variant (Variation ID: 1409363). Invitae Evidence Modeling of protein sequence and biophysical properties (such as structural, functional, and spatial information, amino acid conservation, physicochemical variation, residue mobility, and thermodynamic stability) indicates that this missense variant is not expected to disrupt WNT1 protein function with a negative predictive value of 80%. In summary, the available evidence is currently insufficient to determine the role of this variant in disease. Therefore, it has been classified as a Variant of Uncertain Significance.

NM_005430.4(WNT1):c.775G>C (p.Gly259Arg)

Gene: WNT1 (Wnt family member 1; plus strand). Cytogenetic location: 12q13.12.
Variant type: single nucleotide variant.
Coding change: c.775G>C on transcript NM_005430.4 (MANE Select); coding-DNA position 775, G replaced by C.
Protein change: p.Gly259Arg; replaces glycine 259 with arginine.
Molecular consequence: missense variant.
Genome position (GRCh38, 1-based): chr12:48,981,302, G>C. VCF-style: chr12-48981302-G-C. GRCh37 (hg19) VCF-style: chr12-49375085-G-C.
Other names: c.775G>C (NM_005430.3); short protein forms G259R.
Identifiers: ClinVar variation 1409363 (VCV001409363.7), dbSNP rs766181837, ClinGen allele CA384635186.